The following is an entry in ClinVar:

NM_001271696.3(ABCB7):c.890C>A (p.Thr297Asn)

Gene: ABCB7 (ATP binding cassette subfamily B member 7; minus strand). Cytogenetic location: Xq13.3.
Variant type: single nucleotide variant.
Coding change: c.890C>A on transcript NM_001271696.3 (MANE Select); coding-DNA position 890, C replaced by A.
Protein change: p.Thr297Asn; replaces threonine 297 with asparagine.
Molecular consequence: missense variant.
Genome position (GRCh38, 1-based): chrX:75,073,922, G>T on the plus strand (C>A on the coding strand, the complement: ABCB7 is on the minus strand). VCF-style: chrX-75073922-G-T. GRCh37 (hg19) VCF-style: chrX-74293757-G-T.
Other names: c.770C>A, p.Thr257Asn (NM_001271697.3); c.812C>A, p.Thr271Asn (NM_001271698.3); c.773C>A, p.Thr258Asn (NM_001271699.3); c.893C>A, p.Thr298Asn (NM_004299.6); short protein forms T297N, T298N, T257N, T258N, T271N.
Identifiers: ClinVar variation 5008147 (VCV005008147.1).

ClinVar aggregate classification (germline): Uncertain significance (1 of 4 stars; one submission).

Submission:

GeneDx
Classification: Uncertain significance. Last evaluated: 2026-02-27. Review status: criteria provided, single submitter. Criteria: GeneDx Variant Classification Process June 2021. Collection method: clinical testing. Allele origin: germline.
Comment: Not observed at significant frequency in large population cohorts (gnomAD); In silico analysis supports that this missense variant has a deleterious effect on protein structure/function; Has not been previously published as pathogenic or benign to our knowledge